The following is an entry in ClinVar:

NM_080424.4(SP110):c.2026A>G (p.Lys676Glu)

Gene: SP110 (SP110 nuclear body protein; minus strand). Cytogenetic location: 2q37.1.
Variant type: single nucleotide variant.
Coding change: c.2026A>G on transcript NM_080424.4 (MANE Select); coding-DNA position 2026, A replaced by G.
Protein change: p.Lys676Glu; replaces lysine 676 with glutamic acid.
Molecular consequence: missense variant. On other transcripts: intron variant (1).
Genome position (GRCh38, 1-based): chr2:230,170,623, T>C on the plus strand (A>G on the coding strand, the complement: SP110 is on the minus strand). VCF-style: chr2-230170623-T-C. GRCh37 (hg19) VCF-style: chr2-231035339-T-C.
Other names: c.2122A>G, p.Lys708Glu (NM_001378442.1); c.2104A>G, p.Lys702Glu (NM_001378443.1); c.2044A>G, p.Lys682Glu (NM_001378444.1); c.1972A>G, p.Lys658Glu (NM_001378445.1); c.1954A>G, p.Lys652Glu (NM_004509.5); c.1834-1386A>G (NM_001378446.1); short protein forms K702E, K676E, K682E, K652E, K658E, K708E.
Identifiers: ClinVar variation 1921046 (VCV001921046.2), dbSNP rs754325607, ClinGen allele CA2154269.

ClinVar aggregate classification (germline): Uncertain significance (1 of 4 stars; one submission).

Conditions:
Hepatic veno-occlusive disease-immunodeficiency syndrome. Also called: Hepatic Veno-Occlusive Disease with Immunodeficiency. Identifiers: Orphanet 79124, MedGen C1856128, MONDO:0009338, OMIM 235550. Disease mechanism: loss of function.

Allele frequency attached by ClinVar (database versions not stated): gnomAD exomes 0.00001; ExAC 0.00002.
gnomAD v4.1: 11 of 1,614,122 alleles (0.00068%); highest among the groups gnomAD compares: East Asian, 0.0045%; no homozygotes.

Submission:

Labcorp Genetics (formerly Invitae), Labcorp
Classification: Uncertain significance for Hepatic veno-occlusive disease-immunodeficiency syndrome. Last evaluated: 2022-05-07. Review status: criteria provided, single submitter. Criteria: Invitae Variant Classification Sherloc (09022015). Collection method: clinical testing. Allele origin: germline.
Comment: This sequence change replaces lysine, which is basic and polar, with glutamic acid, which is acidic and polar, at codon 652 of the SP110 protein (p.Lys652Glu). This variant is present in population databases (rs754325607, gnomAD 0.006%). This variant has not been reported in the literature in individuals affected with SP110-related conditions. Algorithms developed to predict the effect of missense changes on protein structure and function are either unavailable or do not agree on the potential impact of this missense change (SIFT: "Deleterious"; PolyPhen-2: "Possibly Damaging"; Align-GVGD: "Class C0"). In summary, the available evidence is currently insufficient to determine the role of this variant in disease. Therefore, it has been classified as a Variant of Uncertain Significance.